The following is an entry in ClinVar:

NM_001142864.4(PIEZO1):c.3699+19_3699+20delinsGC

Gene: PIEZO1 (piezo type mechanosensitive ion channel component 1 (Er blood group); minus strand). Cytogenetic location: 16q24.3.
Variant type: Indel.
Coding change: c.3699+19_3699+20delinsGC on transcript NM_001142864.4 (MANE Select); bases 19 to 20 of the intron after coding-DNA position 3699, CG replaced by GC.
Molecular consequence: intron variant.
Genome position (GRCh38, 1-based): chr16:88,726,695-88,726,696, CG replaced by GC on the plus strand (CG replaced by GC on the coding strand, the reverse complement: PIEZO1 is on the minus strand). VCF-style: chr16-88726695-CG-GC. GRCh37 (hg19) VCF-style: chr16-88793103-CG-GC.
Identifiers: ClinVar variation 3612105 (VCV003612105.2).
Genomic context (GRCh38, chr16:88,726,695, plus strand): 5'-GGCCAGGAGCTGGGGGAGAGCAGGGTCAGCGGGGCCAGCGGGGCCCCAGGGCGGTGGGTG[CG>GC]GGGGGGCCGGAGGCTCACCGACAGCATGTTCTTGGAGATGATGACGGTGACGTTGTACAG-3'

ClinVar aggregate classification (germline): Uncertain significance (1 of 4 stars; one submission).

Submission:

Labcorp Genetics (formerly Invitae), Labcorp
Classification: Uncertain significance. Last evaluated: 2025-10-14. Review status: criteria provided, single submitter. Criteria: Invitae Variant Classification Sherloc (09022015). Collection method: clinical testing. Allele origin: germline.
Comment: This sequence change falls in intron 25 of the PIEZO1 gene. It does not directly change the encoded amino acid sequence of the PIEZO1 protein. Information on the frequency of this variant in the gnomAD database is not available, as this variant may be reported differently in the database. This variant has not been reported in the literature in individuals affected with PIEZO1-related conditions. ClinVar contains an entry for this variant (Variation ID: 3612105). Experimental studies and prediction algorithms are not available or were not evaluated, and the effect of this variant on mRNA splicing is currently unknown. In summary, the available evidence is currently insufficient to determine the role of this variant in disease. Therefore, it has been classified as a Variant of Uncertain Significance.